The following is an entry in ClinVar:

ClinVar aggregate classification (germline): Benign/Likely benign. Review status: criteria provided, multiple submitters, no conflicts (2 of 4 stars). 5 submissions from 5 submitters: Benign (1); Likely benign (4). Last evaluated 2026-05-01.

Conditions:
Diaphanospondylodysostosis. Also called: VERTEBRAL OSSIFICATION, DEFECT IN, WITH NEPHROGENIC RESTS. Identifiers: Orphanet 66637, MedGen C1842691, MONDO:0011946, OMIM 608022.

Allele frequency attached by ClinVar (database versions not stated): 1000 Genomes Project 30x 0.00156; 1000 Genomes Project 0.00180; ExAC 0.00328; gnomAD exomes 0.00355; TOPMed 0.00394; gnomAD 0.00411 and 0.00418; ESP Exome Variant Server 0.00569.
gnomAD v4.1: 10,707 of 1,614,082 alleles (0.66%); highest among the groups gnomAD compares: Non-Finnish European, 0.84%; 54 homozygotes.

Submissions (5):

CeGaT Center for Human Genetics Tuebingen
Classification: Likely benign. Last evaluated: 2026-05-01. Review status: criteria provided, single submitter. Criteria: CeGaT Center For Human Genetics Tuebingen Variant Classification Criteria Version 2. Collection method: clinical testing. Allele origin: germline. Affected: yes. Observed: 4 variant alleles.
Comment: BMPER: BP4, BP7, BS2

Labcorp Genetics (formerly Invitae), Labcorp
Classification: Benign. Last evaluated: 2026-01-25. Review status: criteria provided, single submitter. Criteria: Invitae Variant Classification Sherloc (09022015). Collection method: clinical testing. Allele origin: germline.

Blueprint Genetics
Classification: Likely benign. Last evaluated: 2024-11-20. Review status: criteria provided, single submitter. Criteria: ACMG Guidelines, 2015. Collection method: clinical testing. Allele origin: germline.

Illumina Laboratory Services, Illumina
Classification: Likely benign for Diaphanospondylodysostosis. Last evaluated: 2018-01-13. Review status: criteria provided, single submitter. Criteria: ICSL Variant Classification Criteria 13 December 2019. Collection method: clinical testing. Allele origin: germline.
Comment: This variant was observed in the ICSL laboratory as part of a predisposition screen in an ostensibly healthy population. It had not been previously curated by ICSL or reported in the Human Gene Mutation Database (HGMD: prior to June 1st, 2018), and was therefore a candidate for classification through an automated scoring system. Utilizing variant allele frequency, disease prevalence and penetrance estimates, and inheritance mode, an automated score was calculated to assess if this variant is too frequent to cause the disease. Based on the score and internal cut-off values, a variant classified as likely benign is not then subjected to further curation. The score for this variant resulted in a classification of likely benign for this disease.

Breakthrough Genomics
Classification: Likely benign. Review status: criteria provided, single submitter. Criteria: ACMG Guidelines, 2015. Collection method: not provided. Allele origin: germline. Inheritance: Autosomal recessive inheritance. Affected: yes.

NM_001365308.1(BMPER):c.417A>T (p.Thr139=)

Gene: BMPER (BMP binding endothelial regulator; plus strand). Cytogenetic location: 7p14.3.
Variant type: single nucleotide variant.
Coding change: c.417A>T on transcript NM_001365308.1 (MANE Select); coding-DNA position 417, A replaced by T.
Protein change: p.Thr139=; no amino-acid change (threonine 139 retained).
Molecular consequence: synonymous variant.
Genome position (GRCh38, 1-based): chr7:33,970,343, A>T. VCF-style: chr7-33970343-A-T. GRCh37 (hg19) VCF-style: chr7-34009955-A-T.
Other names: c.417A>T, p.Thr139= (NM_133468.5).
Identifiers: ClinVar variation 770373 (VCV000770373.39), dbSNP rs147600292, ClinGen allele CA4215064.